The following is an entry in ClinVar:

NM_001042492.3(NF1):c.3840G>T (p.Leu1280Phe)

Gene: NF1 (neurofibromin 1; plus strand). Cytogenetic location: 17q11.2.
Variant type: single nucleotide variant.
Coding change: c.3840G>T on transcript NM_001042492.3 (MANE Select); coding-DNA position 3840, G replaced by T.
Protein change: p.Leu1280Phe; replaces leucine 1280 with phenylalanine.
Molecular consequence: missense variant.
Genome position (GRCh38, 1-based): chr17:31,235,742, G>T. VCF-style: chr17-31235742-G-T. GRCh37 (hg19) VCF-style: chr17-29562760-G-T.
Other names: c.3840G>T, p.Leu1280Phe (NM_000267.4); short protein forms L1280F.
Identifiers: ClinVar variation 2452255 (VCV002452255.2), dbSNP rs940420850, ClinGen allele CA398992807.

ClinVar aggregate classification (germline): Uncertain significance (1 of 4 stars; one submission).

Conditions:
Hereditary cancer-predisposing syndrome. Also called: Neoplastic Syndromes, Hereditary; Tumor predisposition; Hereditary neoplastic syndrome; Hereditary Cancer Syndrome. Identifiers: Orphanet 140162, MedGen C0027672, MeSH D009386, MONDO:0015356.
Cardiovascular phenotype. Identifiers: MedGen CN230736.

Submission:

Ambry Genetics
Classification: Uncertain significance for Cardiovascular phenotype; Hereditary cancer-predisposing syndrome. Last evaluated: 2023-01-08. Review status: criteria provided, single submitter. Criteria: Ambry Variant Classification Scheme 2023. Collection method: clinical testing. Allele origin: germline.
Comment: The p.L1280F variant (also known as c.3840G>T), located in coding exon 28 of the NF1 gene, results from a G to T substitution at nucleotide position 3840. The leucine at codon 1280 is replaced by phenylalanine, an amino acid with highly similar properties. This amino acid position is conserved. In addition, this alteration is predicted to be deleterious by in silico analysis. Since supporting evidence is limited at this time, the clinical significance of this alteration remains unclear.